The following is an entry in ClinVar:

NM_006208.3(ENPP1):c.2426C>T (p.Ser809Phe)

Gene: ENPP1 (ectonucleotide pyrophosphatase/phosphodiesterase 1; plus strand). Cytogenetic location: 6q23.2.
Variant type: single nucleotide variant.
Coding change: c.2426C>T on transcript NM_006208.3 (MANE Select); coding-DNA position 2426, C replaced by T.
Protein change: p.Ser809Phe; replaces serine 809 with phenylalanine.
Molecular consequence: missense variant.
Genome position (GRCh38, 1-based): chr6:131,885,045, C>T. VCF-style: chr6-131885045-C-T. GRCh37 (hg19) VCF-style: chr6-132206185-C-T.
Other names: short protein forms S809F.
Identifiers: ClinVar variation 3593098 (VCV003593098.3).

ClinVar aggregate classification (germline): Uncertain significance. Review status: criteria provided, multiple submitters, no conflicts (2 of 4 stars). 2 submissions from 2 submitters: Uncertain significance (2). Last evaluated 2024-03-16.

Conditions:
Hypopigmentation-punctate palmoplantar keratoderma syndrome. Also called: GUTTATE HYPOPIGMENTATION AND PUNCTATE PALMOPLANTAR KERATODERMA WITH OR WITHOUT ECTOPIC CALCIFICATION; Cole disease. Identifiers: Orphanet 324561, MedGen C3809781, MONDO:0014227, OMIM 615522.
Inherited obesity. Also called: Monogenic Obesity. Identifiers: Orphanet 77828, MedGen C4054476, MONDO:0019182, OMIM 601665.
Type 2 diabetes mellitus. Also called: Type II diabetes mellitus. Identifiers: MedGen C0011860, MeSH D003924, MONDO:0005148, OMIM 125853, HP:0005978.
Arterial calcification, generalized, of infancy, 1 (GACI1). Also called: Idiopathic Infantile Arterial Calcification. Identifiers: Orphanet 51608, MedGen C4551985, MONDO:0008817, OMIM 208000.
Hypophosphatemic rickets, autosomal recessive, 2 (ARHR2). Identifiers: Orphanet 289176, MedGen C2750078, MONDO:0013219, OMIM 613312.

gnomAD v4.1: 6 of 1,613,884 alleles (0.00037%); highest among the groups gnomAD compares: Admixed American, 0.0067%; no homozygotes.

Submissions (2):

Labcorp Genetics (formerly Invitae), Labcorp
Classification: Uncertain significance. Last evaluated: 2024-03-16. Review status: criteria provided, single submitter. Criteria: Invitae Variant Classification Sherloc (09022015). Collection method: clinical testing. Allele origin: germline.
Comment: This sequence change replaces serine, which is neutral and polar, with phenylalanine, which is neutral and non-polar, at codon 809 of the ENPP1 protein (p.Ser809Phe). This variant is present in population databases (rs573370746, gnomAD 0.006%). This variant has not been reported in the literature in individuals affected with ENPP1-related conditions. Advanced modeling of protein sequence and biophysical properties (such as structural, functional, and spatial information, amino acid conservation, physicochemical variation, residue mobility, and thermodynamic stability) performed at Invitae indicates that this missense variant is not expected to disrupt ENPP1 protein function with a negative predictive value of 80%. In summary, the available evidence is currently insufficient to determine the role of this variant in disease. Therefore, it has been classified as a Variant of Uncertain Significance.

Fulgent Genetics
Classification: Uncertain significance for Type 2 diabetes mellitus; Arterial calcification, generalized, of infancy, 1; Inherited obesity; Hypophosphatemic rickets, autosomal recessive, 2; Hypopigmentation-punctate palmoplantar keratoderma syndrome. Last evaluated: 2024-03-06. Review status: criteria provided, single submitter. Criteria: ACMG Guidelines, 2015. Collection method: clinical testing. Allele origin: germline.